The following is an entry in ClinVar:

NM_001018115.3(FANCD2):c.989+3A>G

Genes: FANCD2 (FA complementation group D2; plus strand), LOC107303338 (3p25 FANCD2 Alu-mediated recombination region; plus strand). Cytogenetic location: 3p25.3.
Variant type: single nucleotide variant.
Coding change: c.989+3A>G on transcript NM_001018115.3 (MANE Select); 3 bases into the intron after coding-DNA position 989, A replaced by G.
Molecular consequence: intron variant.
Genome position (GRCh38, 1-based): chr3:10,043,153, A>G. VCF-style: chr3-10043153-A-G. GRCh37 (hg19) VCF-style: chr3-10084837-A-G.
Other names: c.989+3A>G (NM_001319984.2, NM_001374253.1, NM_033084.6 and 1 more transcripts).
Identifiers: ClinVar variation 2186305 (VCV002186305.4), dbSNP rs1438877977, ClinGen allele CA540892357.

ClinVar aggregate classification (germline): Uncertain significance (1 of 4 stars; one submission).

Conditions:
Fanconi anemia (FA). Also called: Fanconi's anemia. Identifiers: Orphanet 84, MedGen C0015625, MeSH D005199, MONDO:0019391.

Allele frequency attached by ClinVar (database versions not stated): gnomAD exomes below 0.00001; TOPMed below 0.00001; gnomAD 0.00001.
gnomAD v4.1: 4 of 1,612,742 alleles (0.00025%); highest among the groups gnomAD compares: Non-Finnish European, 0.00025%; no homozygotes.

Submission:

Labcorp Genetics (formerly Invitae), Labcorp
Classification: Uncertain significance for Fanconi anemia. Last evaluated: 2023-10-05. Review status: criteria provided, single submitter. Criteria: Invitae Variant Classification Sherloc (09022015). Collection method: clinical testing. Allele origin: germline.
Comment: This sequence change falls in intron 12 of the FANCD2 gene. It does not directly change the encoded amino acid sequence of the FANCD2 protein. It affects a nucleotide within the consensus splice site. This variant is present in population databases (no rsID available, gnomAD 0.0009%). This variant has not been reported in the literature in individuals affected with FANCD2-related conditions. ClinVar contains an entry for this variant (Variation ID: 2186305). Variants that disrupt the consensus splice site are a relatively common cause of aberrant splicing (PMID: 17576681, 9536098). Algorithms developed to predict the effect of sequence changes on RNA splicing suggest that this variant may disrupt the consensus splice site. In summary, the available evidence is currently insufficient to determine the role of this variant in disease. Therefore, it has been classified as a Variant of Uncertain Significance.

Literature cited by the submitters: PubMed 17576681; PubMed 9536098.